The following is an entry in ClinVar:

ClinVar aggregate classification (germline): Uncertain significance. Review status: criteria provided, multiple submitters, no conflicts (2 of 4 stars). 2 submissions from 2 submitters: Uncertain significance (2). Last evaluated 2026-01-07.

Conditions:
Hereditary nonpolyposis colorectal neoplasms. Identifiers: MedGen C0009405, MeSH D003123.
Hereditary cancer-predisposing syndrome. Also called: Hereditary Cancer Syndrome; Hereditary neoplastic syndrome; Tumor predisposition; Neoplastic Syndromes, Hereditary. Identifiers: Orphanet 140162, MedGen C0027672, MeSH D009386, MONDO:0015356.

Allele frequency attached by ClinVar (database versions not stated): gnomAD exomes below 0.00001.
gnomAD v4.1: 1 of 1,588,220 alleles (0.000063%); highest among the groups gnomAD compares: Admixed American, 0.0017%; no homozygotes.

Submissions (2):

Labcorp Genetics (formerly Invitae), Labcorp
Classification: Uncertain significance for Hereditary nonpolyposis colorectal neoplasms. Last evaluated: 2026-01-07. Review status: criteria provided, single submitter. Criteria: Invitae Variant Classification Sherloc (09022015). Collection method: clinical testing. Allele origin: germline.
Comment: This sequence change replaces glycine, which is neutral and non-polar, with alanine, which is neutral and non-polar, at codon 82 of the PMS2 protein (p.Gly82Ala). This variant is not present in population databases (gnomAD no frequency). This variant has not been reported in the literature in individuals affected with PMS2-related conditions. ClinVar contains an entry for this variant (Variation ID: 1791613). Invitae Evidence Modeling incorporating data from in vitro experimental studies (internal data) indicates that this missense variant is not expected to disrupt PMS2 function with a negative predictive value of 95%. In summary, the available evidence is currently insufficient to determine the role of this variant in disease. Therefore, it has been classified as a Variant of Uncertain Significance.

Ambry Genetics
Classification: Uncertain significance for Hereditary cancer-predisposing syndrome. Last evaluated: 2022-09-03. Review status: criteria provided, single submitter. Criteria: Ambry Variant Classification Scheme 2023. Collection method: clinical testing. Allele origin: germline.
Comment: The p.G82A variant (also known as c.245G>C), located in coding exon 3 of the PMS2 gene, results from a G to C substitution at nucleotide position 245. The glycine at codon 82 is replaced by alanine, an amino acid with similar properties. This amino acid position is conserved. In addition, this alteration is predicted to be deleterious by in silico analysis. Since supporting evidence is limited at this time, the clinical significance of this alteration remains unclear.

NM_000535.7(PMS2):c.245G>C (p.Gly82Ala)

Gene: PMS2 (PMS1 homolog 2, mismatch repair system component; minus strand). Cytogenetic location: 7p22.1.
Variant type: single nucleotide variant.
Coding change: c.245G>C on transcript NM_000535.7 (MANE Select); coding-DNA position 245, G replaced by C.
Protein change: p.Gly82Ala; replaces glycine 82 with alanine.
Molecular consequence: missense variant. On other transcripts: 5 prime UTR variant (9), non-coding transcript variant (1).
Genome position (GRCh38, 1-based): chr7:6,003,977, C>G on the plus strand (G>C on the coding strand, the complement: PMS2 is on the minus strand). VCF-style: chr7-6003977-C-G. GRCh37 (hg19) VCF-style: chr7-6043608-C-G.
Other names: c.-161G>C (NM_001018040.1, NM_001322003.2, NM_001322004.2 and 14 more transcripts); c.245G>C, p.Gly82Ala (NM_001322006.2, NM_001322014.2, NM_001406868.1 and 10 more transcripts); c.30G>C, p.Arg10Ser (NM_001322007.2, NM_001322008.2, NM_001406876.1 and 4 more transcripts); c.-640G>C (NM_001322011.2, NM_001322012.2); c.-240G>C (NM_001322015.2, NM_001406875.1, NM_001406877.1 and 3 more transcripts); c.431G>C, p.Gly144Ala (NM_001406866.1); c.-187G>C (NM_001406880.1); c.-137G>C (NM_001406881.1, NM_001406900.1); and 2 more; short protein forms G144A, G82A, R10S.
Identifiers: ClinVar variation 1791613 (VCV001791613.3), dbSNP rs1386977804, ClinGen allele CA366744756.